The following is an entry in ClinVar:

NM_033087.4(ALG2):c.516C>A (p.Cys172Ter)

Gene: ALG2 (ALG2 alpha-1,3/1,6-mannosyltransferase; minus strand). Cytogenetic location: 9q22.33.
Variant type: single nucleotide variant.
Coding change: c.516C>A on transcript NM_033087.4 (MANE Select); coding-DNA position 516, C replaced by A.
Protein change: p.Cys172Ter; replaces cysteine 172 with a stop codon.
Molecular consequence: nonsense. On other transcripts: non-coding transcript variant (1).
Genome position (GRCh38, 1-based): chr9:99,218,669, G>T on the plus strand (C>A on the coding strand, the complement: ALG2 is on the minus strand). VCF-style: chr9-99218669-G-T. GRCh37 (hg19) VCF-style: chr9-101980951-G-T.
Other names: short protein forms C172*.
Identifiers: ClinVar variation 936226 (VCV000936226.7), dbSNP rs1828741342, ClinGen allele CA374229037.
Genomic context (GRCh38, chr9:99,218,669, plus strand): 5'-AGACAGGGACTTGAATGTTTCCTTAAAAACAGCAGCTGTGAACTGGCTGTTGACTAAGAT[G>T]CAGTCTGCCATGCCTGTGGTGTATTCCTCTATCCAGTCAATTGGGGCCCTGTATAGTCGT-3'

ClinVar aggregate classification (germline): Uncertain significance (1 of 4 stars; one submission).

Conditions:
Congenital myasthenic syndrome 14. Also called: Myasthenic syndrome, congenital, 14, with tubular aggregates. Identifiers: Orphanet 353327, Orphanet 590, MedGen C4015597, MONDO:0014543, OMIM 616228.
Congenital disorder of glycosylation, type Ii. Also called: CDG Ii; ALG2-congenital disorder of glycosylation; ALG2-CDG. Identifiers: Orphanet 79326, MedGen C1842836, MONDO:0011933, OMIM 607906.

Submission:

Labcorp Genetics (formerly Invitae), Labcorp
Classification: Uncertain significance for Congenital disorder of glycosylation, type Ii; Congenital myasthenic syndrome 14. Last evaluated: 2019-09-30. Review status: criteria provided, single submitter. Criteria: Invitae Variant Classification Sherloc (09022015). Collection method: clinical testing. Allele origin: germline.
Comment: This sequence change results in a premature translational stop signal in the ALG2 gene (p.Cys172*). While this is not anticipated to result in nonsense mediated decay, it is expected to disrupt the last 245 amino acids of the ALG2 protein. This variant is not present in population databases (ExAC no frequency). This variant has not been reported in the literature in individuals with ALG2-related conditions. In summary, the available evidence is currently insufficient to determine the role of this variant in disease. Therefore, it has been classified as a Variant of Uncertain Significance.